The following is an entry in ClinVar:

ClinVar aggregate classification (germline): Conflicting classifications of pathogenicity. Review status: criteria provided, conflicting classifications (1 of 4 stars). 7 submissions from 7 submitters: Likely pathogenic (4); Uncertain significance (3). Last evaluated 2025-12-17.

Conditions:
NF1-related disorder. Also called: NF1-related condition. Identifiers: MedGen CN379171.
Hereditary cancer-predisposing syndrome. Also called: Hereditary neoplastic syndrome; Neoplastic Syndromes, Hereditary; Hereditary Cancer Syndrome; Tumor predisposition. Identifiers: Orphanet 140162, MedGen C0027672, MeSH D009386, MONDO:0015356.
Cardiovascular phenotype. Identifiers: MedGen CN230736.
Neurofibromatosis, type 1 (NF1). Also called: Neurofibromatosis, type I; NEUROFIBROMATOSIS, TYPE I, SOMATIC; Peripheral type neurofibromatosis; VON RECKLINGHAUSEN DISEASE. Identifiers: Orphanet 636, MedGen C0027831, MONDO:0018975, OMIM 162200. Disease mechanism: loss of function.

Submissions (7):

3billion
Classification: Uncertain significance for Neurofibromatosis, type 1. Last evaluated: 2025-12-17. Review status: criteria provided, single submitter. Criteria: ACMG Guidelines, 2015. Collection method: clinical testing. Allele origin: germline. Affected: yes.
Comment: The variant is not observed in the gnomAD v4.1.0 dataset. Predicted Consequence/Location: Missense variant In silico tool predictions suggest damaging effect of the variant on gene or gene product [REVEL: 0.92 (>=0.6, sensitivity 0.68 and specificity 0.92); 3Cnet: 0.92 (> 0.75, sensitivity 0.96 and precision 0.92)]. The same nucleotide change resulting in the same amino acid change has been previously reported to be associated with NF1-related disorder (ClinVar ID: VCV000457769 /PMID: 23656349). However, the evidence of pathogenicity is insufficient at this time. Therefore, this variant is classified as VUS according to the recommendation of ACMG/AMP guideline.

PreventionGenetics, part of Exact Sciences
Classification: Likely pathogenic for NF1-related condition. Last evaluated: 2025-08-16. Review status: criteria provided, single submitter. Criteria: ACMG Guidelines, 2015. Collection method: clinical testing. Allele origin: germline.
Comment: The NF1 c.5924T>C variant is predicted to result in the amino acid substitution p.Leu1975Pro. This variant is also known as c.5861T>C (p.Leu1954Pro) on the clinically relevant transcript (NM_000267). This variant has been found in individuals with clinical features consistent with neurofibromatosis type 1, including an individual with concomitant breast cancer (PreventionGenetics, internal data; Frayling et al. 2019. PubMed ID: 30530636). It is present in the Leiden Open Variation Database (LOVD) as a de novo event in an individual with neurofibromatosis type 1. This variant has not been reported in a large population database (gnomAD), indicating it is rare, and has conflicting classifications in the ClinVar database ranging from uncertain to likely pathogenic (Variation ID: 457769). This variant is classified as likely pathogenic.

Ambry Genetics
Classification: Likely pathogenic for Cardiovascular phenotype; Hereditary cancer-predisposing syndrome. Last evaluated: 2025-06-06. Review status: criteria provided, single submitter. Criteria: Ambry Variant Classification Scheme 2023. Collection method: clinical testing. Allele origin: germline.
Comment: The p.L1954P variant (also known as c.5861T>C), located in coding exon 39 of the NF1 gene, results from a T to C substitution at nucleotide position 5861. The leucine at codon 1954 is replaced by proline, an amino acid with similar properties. This variant was reported in individual(s) with features consistent with neurofibromatosis type 1 (NF1); in at least one individual, it was determined to be de novo (van Minkelen R et al. Clin Genet, 2014 Apr;85:318-27; Frayling IM et al. J Med Genet, 2019 Apr;56:209-219). This missense alteration is located in a region that has a low rate of benign missense variation (Lek M et al. Nature. 2016 Aug 18;536(7616):285-91; DECIPHER: Database of Chromosomal Imbalance and Phenotype in Humans using Ensembl Resources. Firth H.V. et al. 2009. Am.J.Hum.Genet. 84, 524-533 (DOI)). This amino acid position is highly conserved in available vertebrate species. In addition, this alteration is predicted to be deleterious by in silico analysis. Based on the majority of available evidence to date, this variant is likely to be pathogenic.

Women's Health and Genetics/Laboratory Corporation of America, LabCorp
Classification: Likely pathogenic for Neurofibromatosis, type 1. Last evaluated: 2024-09-04. Review status: criteria provided, single submitter. Criteria: LabCorp Variant Classification Summary - May 2015. Collection method: clinical testing. Allele origin: germline.
Comment: Variant summary: NF1 c.5861T>C (p.Leu1954Pro) results in a non-conservative amino acid change in the encoded protein sequence. Four of five in-silico tools predict a damaging effect of the variant on protein function. The variant was absent in 251350 control chromosomes. c.5861T>C has been reported in the literature in the heterozygous state in individuals affected with Neurofibromatosis Type 1 (example, van Minkelen_2014, Frayling_2019), including 1 de novo event. These data indicate that the variant may be associated with disease. To our knowledge, no experimental evidence demonstrating an impact on protein function has been reported. The following publications have been ascertained in the context of this evaluation (PMID: 30530636, 23656349). ClinVar contains an entry for this variant (Variation ID: 457769). Based on the evidence outlined above, the variant was classified as likely pathogenic.

Labcorp Genetics (formerly Invitae), Labcorp
Classification: Likely pathogenic for Neurofibromatosis, type 1. Last evaluated: 2024-08-28. Review status: criteria provided, single submitter. Criteria: Invitae Variant Classification Sherloc (09022015). Collection method: clinical testing. Allele origin: germline.
Comment: This sequence change replaces leucine, which is neutral and non-polar, with proline, which is neutral and non-polar, at codon 1954 of the NF1 protein (p.Leu1954Pro). This variant is not present in population databases (gnomAD no frequency). This missense change has been observed in individual(s) with neurofibromatosis type 1 (PMID: 23656349, 30530636). ClinVar contains an entry for this variant (Variation ID: 457769). Invitae Evidence Modeling of protein sequence and biophysical properties (such as structural, functional, and spatial information, amino acid conservation, physicochemical variation, residue mobility, and thermodynamic stability) indicates that this missense variant is expected to disrupt NF1 protein function with a positive predictive value of 95%. In summary, the currently available evidence indicates that the variant is pathogenic, but additional data are needed to prove that conclusively. Therefore, this variant has been classified as Likely Pathogenic.

Genome-Nilou Lab
Classification: Uncertain significance for Neurofibromatosis, type 1. Last evaluated: 2022-03-15. Review status: criteria provided, single submitter. Criteria: ACMG Guidelines, 2015. Collection method: clinical testing. Allele origin: germline. Affected: no.

CeGaT Center for Human Genetics Tuebingen
Classification: Uncertain significance. Last evaluated: 2021-01-01. Review status: criteria provided, single submitter. Criteria: CeGaT Center For Human Genetics Tuebingen Variant Classification Criteria Version 2. Collection method: clinical testing. Allele origin: germline. Affected: yes. Observed: 1 variant allele.

Literature cited by the submitters: PubMed 23656349 (cited by 4 submitters); PubMed 30530636 (cited by 3 submitters).

NM_001042492.3(NF1):c.5924T>C (p.Leu1975Pro)

Gene: NF1 (neurofibromin 1; plus strand). Cytogenetic location: 17q11.2.
Variant type: single nucleotide variant.
Coding change: c.5924T>C on transcript NM_001042492.3 (MANE Select); coding-DNA position 5924, T replaced by C.
Protein change: p.Leu1975Pro; replaces leucine 1975 with proline.
Molecular consequence: missense variant.
Genome position (GRCh38, 1-based): chr17:31,334,949, T>C. VCF-style: chr17-31334949-T-C. GRCh37 (hg19) VCF-style: chr17-29661967-T-C.
Other names: c.5861T>C, p.Leu1954Pro (NM_000267.4); short protein forms L1975P, L1954P.
Identifiers: ClinVar variation 457769 (VCV000457769.45), dbSNP rs1555534411, ClinGen allele CA399010799.
Genomic context (GRCh38, chr17:31,334,949, plus strand): 5'-ATCTAGTTCGTTTTTGCAAGCATAATGATGATGCCAAACGACAAAGAGTTACTGCTATTC[T>C]TGACAAGCTGATAACAATGACCATCAATGAAAAACAGATGTACCCATCTATTCAAGCAAA-3'
Protein context (NP_001035957.1, residues 1965-1985): DAKRQRVTAI[Leu1975Pro]DKLITMTINE